The following is an entry in ClinVar:

ClinVar aggregate classification (germline): Uncertain significance (1 of 4 stars; one submission).

Conditions:
Chédiak-Higashi syndrome (CHS). Also called: Chediak-Higashi Syndrome. Identifiers: Orphanet 167, MedGen C0007965, MONDO:0008963, OMIM 214500.

Allele frequency attached by ClinVar (database versions not stated): gnomAD exomes below 0.00001; TOPMed below 0.00001; ExAC 0.00001.
gnomAD v4.1: 1 of 1,614,142 alleles (0.000062%); highest among the groups gnomAD compares: Non-Finnish European, 0.000085%; no homozygotes.

Submission:

Labcorp Genetics (formerly Invitae), Labcorp
Classification: Uncertain significance for Chédiak-Higashi syndrome. Last evaluated: 2024-07-22. Review status: criteria provided, single submitter. Criteria: Invitae Variant Classification Sherloc (09022015). Collection method: clinical testing. Allele origin: germline.
Comment: This sequence change replaces valine, which is neutral and non-polar, with alanine, which is neutral and non-polar, at codon 3696 of the LYST protein (p.Val3696Ala). This variant is present in population databases (rs750716679, gnomAD 0.0009%). This variant has not been reported in the literature in individuals affected with LYST-related conditions. ClinVar contains an entry for this variant (Variation ID: 2125496). Advanced modeling of protein sequence and biophysical properties (such as structural, functional, and spatial information, amino acid conservation, physicochemical variation, residue mobility, and thermodynamic stability) performed at Invitae indicates that this missense variant is expected to disrupt LYST protein function with a positive predictive value of 80%. In summary, the available evidence is currently insufficient to determine the role of this variant in disease. Therefore, it has been classified as a Variant of Uncertain Significance.

NM_000081.4(LYST):c.11087T>C (p.Val3696Ala)

Gene: LYST (lysosomal trafficking regulator; minus strand). Cytogenetic location: 1q42.3.
Variant type: single nucleotide variant.
Coding change: c.11087T>C on transcript NM_000081.4 (MANE Select); coding-DNA position 11087, T replaced by C.
Protein change: p.Val3696Ala; replaces valine 3696 with alanine.
Molecular consequence: missense variant.
Genome position (GRCh38, 1-based): chr1:235,664,573, A>G on the plus strand (T>C on the coding strand, the complement: LYST is on the minus strand). VCF-style: chr1-235664573-A-G. GRCh37 (hg19) VCF-style: chr1-235827873-A-G.
Other names: c.11087T>C, p.Val3696Ala (NM_001301365.1); short protein forms V3696A.
Identifiers: ClinVar variation 2125496 (VCV002125496.4), dbSNP rs750716679, ClinGen allele CA1465213.